The following is an entry in ClinVar:

NM_024685.4(BBS10):c.310_311del (p.Glu104fs)

Gene: BBS10 (Bardet-Biedl syndrome 10; minus strand). Cytogenetic location: 12q21.2.
Variant type: Microsatellite.
Coding change: c.310_311del on transcript NM_024685.4 (MANE Select); coding-DNA positions 310 to 311, 2 bases deleted (GA; older notation c.310_311delGA).
Protein change: p.Glu104fs; shifts the reading frame from glutamic acid 104.
Molecular consequence: frameshift variant.
Genome position (GRCh38, 1-based): chr12:76,347,674-76,347,675, TC deleted on the plus strand (GA on the coding strand, the reverse complement: BBS10 is on the minus strand); deleting any 2 consecutive bases within chr12:76,347,674-76,347,678 gives the same sequence; the c. name uses the placement nearest the transcript's 3' end. VCF-style (leftmost placement, unchanged base first): chr12-76347673-TTC-T. GRCh37 (hg19) VCF-style: chr12-76741453-TTC-T.
Other names: short protein forms E104fs.
Identifiers: ClinVar variation 1361644 (VCV001361644.8), dbSNP rs2136091244, ClinGen allele CA2580616820.
Genomic context (GRCh38, chr12:76,347,673, plus strand): 5'-AGAACAATTTTTCCAATGCCTTCCATGGGTTTGAATGTTTTCACACATCAAAGGATCCTT[TTC>T]TCTGTCTGTGATTGCATGAAGTCCTCTAAGCAAATGGCAAAGAAAGATAATAAATGTTTT-3'

ClinVar aggregate classification (germline): Pathogenic/Likely pathogenic. Review status: criteria provided, multiple submitters, no conflicts (2 of 4 stars). 3 submissions from 3 submitters: Pathogenic (2); Likely pathogenic (1). Last evaluated 2023-04-24.

Conditions:
Bardet-Biedl syndrome (BBS). Identifiers: Orphanet 110, MedGen C0752166, MONDO:0015229.
Bardet-Biedl syndrome 10 (BBS10). Identifiers: Orphanet 110, MedGen C1859568, MONDO:0014438, OMIM 615987.

Submissions (3):

Baylor Genetics
Classification: Pathogenic for Bardet-Biedl syndrome 10. Last evaluated: 2023-04-24. Review status: criteria provided, single submitter. Criteria: ACMG Guidelines, 2015. Collection method: clinical testing. Allele origin: unknown.

Women's Health and Genetics/Laboratory Corporation of America, LabCorp
Classification: Likely pathogenic for Bardet-Biedl syndrome. Last evaluated: 2022-08-09. Review status: criteria provided, single submitter. Criteria: LabCorp Variant Classification Summary - May 2015. Collection method: clinical testing. Allele origin: germline.
Comment: Variant summary: BBS10 c.310_311delGA (p.Glu104LysfsX7) results in a premature termination codon, predicted to cause a truncation of the encoded protein. While this variant is not predicted to cause nonsense mediated decay, the premature termination would result in a protein missing 86% of the native amino acid sequence. Truncations downstream of this position have been classified as pathogenic by our laboratory. The variant was absent in 250860 control chromosomes (gnomAD). c.310_311delGA has been reported in the literature in at least one compound heterozygous individual affected with Bardet-Biedl Syndrome (Billingsley_2010). These data do not allow any conclusion about variant significance. To our knowledge, no experimental evidence demonstrating an impact on protein function has been reported. One ClinVar submitter has assessed the variant since 2014: the variant was classified as pathogenic. Based on the evidence outlined above, the variant was classified as likely pathogenic.

Labcorp Genetics (formerly Invitae), Labcorp
Classification: Pathogenic for Bardet-Biedl syndrome. Last evaluated: 2021-11-09. Review status: criteria provided, single submitter. Criteria: Invitae Variant Classification Sherloc (09022015). Collection method: clinical testing. Allele origin: germline.
Comment: This sequence change creates a premature translational stop signal (p.Glu104Lysfs*7) in the BBS10 gene. While this is not anticipated to result in nonsense mediated decay, it is expected to disrupt the last 620 amino acid(s) of the BBS10 protein. This variant is not present in population databases (gnomAD no frequency). This premature translational stop signal has been observed in individual(s) with Bardet-Biedl syndrome (PMID: 20472660). In at least one individual the data is consistent with the variant being in trans (on the opposite chromosome) from a pathogenic variant. For these reasons, this variant has been classified as Pathogenic.

Literature cited by the submitters: PubMed 20472660 (cited by Women's Health and Genetics/Laboratory Corporation of America, LabCorp and Labcorp Genetics (formerly Invitae), Labcorp); PubMed 34940782 (cited by Women's Health and Genetics/Laboratory Corporation of America, LabCorp); PubMed 35112343 (cited by Women's Health and Genetics/Laboratory Corporation of America, LabCorp).